The following is an entry in ClinVar:

NM_032119.4(ADGRV1):c.17856+11G>A

Gene: ADGRV1 (adhesion G protein-coupled receptor V1; plus strand). Cytogenetic location: 5q14.3.
Variant type: single nucleotide variant.
Coding change: c.17856+11G>A on transcript NM_032119.4 (MANE Select); 11 bases into the intron after coding-DNA position 17856, G replaced by A.
Molecular consequence: intron variant.
Genome position (GRCh38, 1-based): chr5:90,863,868, G>A. VCF-style: chr5-90863868-G-A. GRCh37 (hg19) VCF-style: chr5-90159685-G-A.
Identifiers: ClinVar variation 46294 (VCV000046294.38), dbSNP rs187039736, ClinGen allele CA138073.

ClinVar aggregate classification (germline): Benign/Likely benign. Review status: criteria provided, multiple submitters, no conflicts (2 of 4 stars). 8 submissions from 8 submitters: Benign (3); Likely benign (2). 3 of the submissions do not count toward it. Last evaluated 2026-09-01.

Conditions:
Usher syndrome type 2C. Also called: Usher syndrome, type 2B; USHER SYNDROME, TYPE IIC. Identifiers: Orphanet 231178, Orphanet 886, MedGen C2931213, MONDO:0011558, OMIM 605472.

Allele frequency attached by ClinVar (database versions not stated): 1000 Genomes Project 30x 0.00031; 1000 Genomes Project 0.00040; TOPMed 0.00256; gnomAD 0.00270 and 0.00247; ExAC 0.00232; gnomAD exomes 0.00275; ESP Exome Variant Server 0.00333.
gnomAD v4.1: 4,951 of 1,552,176 alleles (0.32%); highest among the groups gnomAD compares: Non-Finnish European, 0.35%; 25 homozygotes.

Submissions (8):

CeGaT Center for Human Genetics Tuebingen
Classification: Likely benign. Last evaluated: 2026-09-01. Review status: criteria provided, single submitter. Criteria: CeGaT Center For Human Genetics Tuebingen Variant Classification Criteria Version 2. Collection method: clinical testing. Allele origin: germline. Affected: yes. Observed: 5 variant alleles.
Comment: ADGRV1: BS2

Labcorp Genetics (formerly Invitae), Labcorp
Classification: Benign. Last evaluated: 2026-02-04. Review status: criteria provided, single submitter. Criteria: Invitae Variant Classification Sherloc (09022015). Collection method: clinical testing. Allele origin: germline.

Illumina Laboratory Services, Illumina
Classification: Benign for Usher syndrome type 2C. Last evaluated: 2025-04-08. Review status: criteria provided, single submitter. Criteria: ICSLVariantClassificationCriteria RUGD 01 April 2020. Collection method: clinical testing. Allele origin: unknown.

Blueprint Genetics
Classification: Likely benign. Last evaluated: 2024-11-22. Review status: criteria provided, single submitter. Criteria: ACMG Guidelines, 2015. Collection method: clinical testing. Allele origin: germline.

Laboratory for Molecular Medicine, Mass General Brigham Personalized Medicine
Classification: Benign. Last evaluated: 2012-04-30. Review status: criteria provided, single submitter. Criteria: LMM Criteria. Collection method: clinical testing. Allele origin: germline. Observed: 8 variant alleles.
Comment: 17856+11G>A in Intron 83 of GPR98: This variant is not expected to have clinical significance because it is not located within the conserved splice consensus se quence and has been identified in 0.4% (27/6622) of European American chromosome s from a broad population by the NHLBI Exome Sequencing Project.

Clinical Genetics, Academic Medical Center
Classification: Benign. Review status: no assertion criteria provided. Collection method: clinical testing. Allele origin: germline. Affected: yes. Study: VKGL Data-share Consensus. Not counted in ClinVar's aggregate classification.

Diagnostic Laboratory, Department of Genetics, University Medical Center Groningen
Classification: Likely benign. Review status: no assertion criteria provided. Collection method: clinical testing. Allele origin: germline. Affected: yes. Study: VKGL Data-share Consensus. Not counted in ClinVar's aggregate classification.

Genome Diagnostics Laboratory, University Medical Center Utrecht
Classification: Likely benign. Review status: no assertion criteria provided. Collection method: clinical testing. Allele origin: germline. Affected: yes. Study: VKGL Data-share Consensus. Not counted in ClinVar's aggregate classification.